The following is an entry in ClinVar:

ClinVar aggregate classification (germline): Uncertain significance (1 of 4 stars; one submission).

Conditions:
EAST syndrome (SESAMES). Also called: SEIZURES, SENSORINEURAL DEAFNESS, ATAXIA, IMPAIRED INTELLECTUAL DEVELOPMENT, AND ELECTROLYTE IMBALANCE. Identifiers: Orphanet 199343, MedGen C2748572, MONDO:0013005, OMIM 612780.

Allele frequency attached by ClinVar (database versions not stated): gnomAD exomes below 0.00001 and 0.00001; TOPMed below 0.00001; gnomAD 0.00001.
gnomAD v4.1: 4 of 1,614,062 alleles (0.00025%); highest among the groups gnomAD compares: Non-Finnish European, 0.00034%; no homozygotes.

Submission:

Labcorp Genetics (formerly Invitae), Labcorp
Classification: Uncertain significance for EAST syndrome. Last evaluated: 2025-12-02. Review status: criteria provided, single submitter. Criteria: Invitae Variant Classification Sherloc (09022015). Collection method: clinical testing. Allele origin: germline.
Comment: This sequence change replaces tyrosine, which is neutral and polar, with cysteine, which is neutral and slightly polar, at codon 349 of the KCNJ10 protein (p.Tyr349Cys). This variant is present in population databases (no rsID available, gnomAD 0.0009%). This variant has not been reported in the literature in individuals affected with KCNJ10-related conditions. ClinVar contains an entry for this variant (Variation ID: 1015917). Invitae Evidence Modeling of protein sequence and biophysical properties (such as structural, functional, and spatial information, amino acid conservation, physicochemical variation, residue mobility, and thermodynamic stability) indicates that this missense variant is not expected to disrupt KCNJ10 protein function with a negative predictive value of 95%. In summary, the available evidence is currently insufficient to determine the role of this variant in disease. Therefore, it has been classified as a Variant of Uncertain Significance.

NM_002241.5(KCNJ10):c.1046A>G (p.Tyr349Cys)

Gene: KCNJ10 (potassium inwardly rectifying channel subfamily J member 10; minus strand). Cytogenetic location: 1q23.2.
Variant type: single nucleotide variant.
Coding change: c.1046A>G on transcript NM_002241.5 (MANE Select); coding-DNA position 1046, A replaced by G.
Protein change: p.Tyr349Cys; replaces tyrosine 349 with cysteine.
Molecular consequence: missense variant.
Genome position (GRCh38, 1-based): chr1:160,041,487, T>C on the plus strand (A>G on the coding strand, the complement: KCNJ10 is on the minus strand). VCF-style: chr1-160041487-T-C. GRCh37 (hg19) VCF-style: chr1-160011277-T-C.
Other names: short protein forms Y349C.
Identifiers: ClinVar variation 1015917 (VCV001015917.10), dbSNP rs1414952042, ClinGen allele CA343222416.
Genomic context (GRCh38, chr1:160,041,487, plus strand): 5'-CCCTCCTTCTCAGCTTGCTCCCTTAATGACTCCTCCAACTTGAGCTTTTCAGGGTCTCCG[T>C]AGCGTACAGTGCTGTCACGGAGGCCACTAGGAGAGGCCACTTTCACAACTTGGTCAAAAA-3'
Protein context (NP_002232.2, residues 339-359): PSGLRDSTVR[Tyr349Cys]GDPEKLKLEE